The following is an entry in ClinVar:

NM_015650.4(TRAF3IP1):c.636C>G (p.His212Gln)

Gene: TRAF3IP1 (TRAF3 interacting protein 1; plus strand). Cytogenetic location: 2q37.3.
Variant type: single nucleotide variant.
Coding change: c.636C>G on transcript NM_015650.4 (MANE Select); coding-DNA position 636, C replaced by G.
Protein change: p.His212Gln; replaces histidine 212 with glutamine.
Molecular consequence: missense variant.
Genome position (GRCh38, 1-based): chr2:238,329,063, C>G. VCF-style: chr2-238329063-C-G. GRCh37 (hg19) VCF-style: chr2-239237704-C-G.
Other names: c.636C>G, p.His212Gln (NM_001139490.1); short protein forms H212Q.
Identifiers: ClinVar variation 1950796 (VCV001950796.5), dbSNP rs1697985778, ClinGen allele CA351244906.

ClinVar aggregate classification (germline): Uncertain significance (1 of 4 stars; one submission).

Allele frequency attached by ClinVar (database versions not stated): gnomAD exomes below 0.00001.
gnomAD v4.1: 1 of 1,551,224 alleles (0.000064%); highest among the groups gnomAD compares: Non-Finnish European, 0.000087%; no homozygotes.

Submission:

Labcorp Genetics (formerly Invitae), Labcorp
Classification: Uncertain significance. Last evaluated: 2022-07-06. Review status: criteria provided, single submitter. Criteria: Invitae Variant Classification Sherloc (09022015). Collection method: clinical testing. Allele origin: germline.
Comment: This sequence change replaces histidine, which is basic and polar, with glutamine, which is neutral and polar, at codon 212 of the TRAF3IP1 protein (p.His212Gln). In summary, the available evidence is currently insufficient to determine the role of this variant in disease. Therefore, it has been classified as a Variant of Uncertain Significance. Algorithms developed to predict the effect of missense changes on protein structure and function are either unavailable or do not agree on the potential impact of this missense change (SIFT: "Tolerated"; PolyPhen-2: "Possibly Damaging"; Align-GVGD: "Class C0"). This variant has not been reported in the literature in individuals affected with TRAF3IP1-related conditions. This variant is not present in population databases (gnomAD no frequency).